The following is an entry in ClinVar:

ClinVar aggregate classification (germline): Uncertain significance. Review status: criteria provided, multiple submitters, no conflicts (2 of 4 stars). 3 submissions from 3 submitters: Uncertain significance (3). Last evaluated 2022-04-09.

Conditions:
Polycystic kidney disease 4 (PKD4). Also called: Autosomal Recessive Polycystic Kidney Disease – PKHD1; PKD3; POLYCYSTIC KIDNEY AND HEPATIC DISEASE 1; POLYCYSTIC KIDNEY DISEASE, INFANTILE, TYPE I; POLYCYSTIC KIDNEY DISEASE 4 WITH OR WITHOUT POLYCYSTIC LIVER DISEASE. Identifiers: MedGen C4540575, MONDO:0033004, OMIM 263200.
Autosomal recessive polycystic kidney disease (ARPKD). Also called: AR polycystic kidney disease. Identifiers: Orphanet 731, Orphanet 8378, MedGen C0085548, MeSH D017044, MONDO:0009889.

Allele frequency attached by ClinVar (database versions not stated): gnomAD 0.00004; ExAC 0.00005; gnomAD exomes 0.00005; TOPMed 0.00006; ESP Exome Variant Server 0.00015.
gnomAD v4.1: 79 of 1,613,542 alleles (0.0049%); highest among the groups gnomAD compares: South Asian, 0.0088%; no homozygotes.

Submissions (3):

Labcorp Genetics (formerly Invitae), Labcorp
Classification: Uncertain significance for Autosomal recessive polycystic kidney disease. Last evaluated: 2022-04-09. Review status: criteria provided, single submitter. Criteria: Invitae Variant Classification Sherloc (09022015). Collection method: clinical testing. Allele origin: germline.
Comment: This sequence change replaces arginine, which is basic and polar, with cysteine, which is neutral and slightly polar, at codon 3556 of the PKHD1 protein (p.Arg3556Cys). This variant is present in population databases (rs201534300, gnomAD 0.01%). This missense change has been observed in individual(s) with clinical features of polycystic kidney disease (PMID: 15805161). ClinVar contains an entry for this variant (Variation ID: 502327). Advanced modeling of protein sequence and biophysical properties (such as structural, functional, and spatial information, amino acid conservation, physicochemical variation, residue mobility, and thermodynamic stability) performed at Invitae indicates that this missense variant is not expected to disrupt PKHD1 protein function. In summary, the available evidence is currently insufficient to determine the role of this variant in disease. Therefore, it has been classified as a Variant of Uncertain Significance.

Fulgent Genetics
Classification: Uncertain significance for Polycystic kidney disease 4. Last evaluated: 2021-07-26. Review status: criteria provided, single submitter. Criteria: ACMG Guidelines, 2015. Collection method: clinical testing. Allele origin: unknown.

Eurofins Ntd Llc (ga)
Classification: Uncertain significance. Last evaluated: 2017-06-05. Review status: criteria provided, single submitter. Criteria: EGL Classification Definitions 2015. Collection method: clinical testing. Allele origin: germline. Observed: 3 variant alleles, 3 heterozygotes.

Literature cited by the submitters: PubMed 15805161 (cited by Labcorp Genetics (formerly Invitae), Labcorp).

NM_138694.4(PKHD1):c.10666C>T (p.Arg3556Cys)

Gene: PKHD1 (PKHD1 ciliary IPT domain containing fibrocystin/polyductin; minus strand). Cytogenetic location: 6p12.3.
Variant type: single nucleotide variant.
Coding change: c.10666C>T on transcript NM_138694.4 (MANE Select); coding-DNA position 10666, C replaced by T.
Protein change: p.Arg3556Cys; replaces arginine 3556 with cysteine.
Molecular consequence: missense variant.
Genome position (GRCh38, 1-based): chr6:51,659,460, G>A on the plus strand (C>T on the coding strand, the complement: PKHD1 is on the minus strand). VCF-style: chr6-51659460-G-A. GRCh37 (hg19) VCF-style: chr6-51524258-G-A.
Other names: short protein forms R3556C.
Identifiers: ClinVar variation 502327 (VCV000502327.12), dbSNP rs201534300, ClinGen allele CA3851037.